The following is an entry in ClinVar:

NM_017612.5(ZCCHC8):c.2000C>T (p.Ala667Val)

Gene: ZCCHC8 (zinc finger CCHC-type containing 8; minus strand). Cytogenetic location: 12q24.31.
Variant type: single nucleotide variant.
Coding change: c.2000C>T on transcript NM_017612.5 (MANE Select); coding-DNA position 2000, C replaced by T.
Protein change: p.Ala667Val; replaces alanine 667 with valine.
Molecular consequence: missense variant.
Genome position (GRCh38, 1-based): chr12:122,473,621, G>A on the plus strand (C>T on the coding strand, the complement: ZCCHC8 is on the minus strand). VCF-style: chr12-122473621-G-A. GRCh37 (hg19) VCF-style: chr12-122958168-G-A.
Other names: c.2000C>T (NM_017612.4, NM_017612.3); c.1769C>T, p.Ala590Val (NM_001350935.2); c.1703C>T, p.Ala568Val (NM_001350936.2); c.1286C>T, p.Ala429Val (NM_001350937.2, NM_001350938.2); short protein forms A429V, A568V, A667V, A590V.
Identifiers: ClinVar variation 1383108 (VCV001383108.10), dbSNP rs1002996700, ClinGen allele CA244748481.

ClinVar aggregate classification (germline): Uncertain significance. Review status: criteria provided, multiple submitters, no conflicts (2 of 4 stars). 3 submissions from 3 submitters: Uncertain significance (3). Last evaluated 2026-02-10.

Conditions:
ZCCHC8-related disorder. Also called: ZCCHC8-related condition.

Allele frequency attached by ClinVar (database versions not stated): gnomAD exomes below 0.00001; gnomAD 0.00006 and 0.00007; TOPMed 0.00023.
gnomAD v4.1: 24 of 1,613,798 alleles (0.0015%); highest among the groups gnomAD compares: Admixed American, 0.02%; no homozygotes.

Submissions (3):

PreventionGenetics, part of Exact Sciences
Classification: Uncertain significance for ZCCHC8-related condition. Last evaluated: 2026-02-10. Review status: criteria provided, single submitter. Criteria: ACMG Guidelines, 2015. Collection method: clinical testing. Allele origin: germline.
Comment: The ZCCHC8 c.2000C>T variant is predicted to result in the amino acid substitution p.Ala667Val. To our knowledge, this variant has not been reported in the literature. This variant is reported in 0.00088% of alleles in individuals of European (Non-Finnish) descent in gnomAD. At this time, the clinical significance of this variant is uncertain due to the absence of conclusive functional and genetic evidence.

Labcorp Genetics (formerly Invitae), Labcorp
Classification: Uncertain significance. Last evaluated: 2025-12-09. Review status: criteria provided, single submitter. Criteria: Invitae Variant Classification Sherloc (09022015). Collection method: clinical testing. Allele origin: germline.
Comment: This sequence change replaces alanine, which is neutral and non-polar, with valine, which is neutral and non-polar, at codon 667 of the ZCCHC8 protein (p.Ala667Val). This variant is not present in population databases (gnomAD no frequency). This variant has not been reported in the literature in individuals affected with ZCCHC8-related conditions. ClinVar contains an entry for this variant (Variation ID: 1383108). Invitae Evidence Modeling of protein sequence and biophysical properties (such as structural, functional, and spatial information, amino acid conservation, physicochemical variation, residue mobility, and thermodynamic stability) indicates that this missense variant is expected to disrupt ZCCHC8 protein function with a positive predictive value of 80%. In summary, the available evidence is currently insufficient to determine the role of this variant in disease. Therefore, it has been classified as a Variant of Uncertain Significance.

Ambry Genetics
Classification: Uncertain significance. Last evaluated: 2022-09-06. Review status: criteria provided, single submitter. Criteria: Ambry Variant Classification Scheme 2023. Collection method: clinical testing. Allele origin: germline.